The following is an entry in ClinVar:

ClinVar aggregate classification (germline): Uncertain significance. Review status: criteria provided, single submitter (1 of 4 stars). 2 submissions from 2 submitters: Uncertain significance (1). 1 of the submissions does not count toward it. Last evaluated 2024-01-04.

Conditions:
PLXNA2-related disorder. Also called: PLXNA2-related condition.

Allele frequency attached by ClinVar (database versions not stated): gnomAD 0.00003; TOPMed 0.00003; ExAC 0.00004; gnomAD exomes 0.00010.
gnomAD v4.1: 158 of 1,614,022 alleles (0.0098%); highest among the groups gnomAD compares: Non-Finnish European, 0.012%; no homozygotes.

Submissions (2):

Labcorp Genetics (formerly Invitae), Labcorp
Classification: Uncertain significance. Last evaluated: 2024-01-04. Review status: criteria provided, single submitter. Criteria: Invitae Variant Classification Sherloc (09022015). Collection method: clinical testing. Allele origin: germline.
Comment: This sequence change replaces leucine, which is neutral and non-polar, with phenylalanine, which is neutral and non-polar, at codon 1206 of the PLXNA2 protein (p.Leu1206Phe). This variant is present in population databases (rs773331988, gnomAD 0.009%). This variant has not been reported in the literature in individuals affected with PLXNA2-related conditions. ClinVar contains an entry for this variant (Variation ID: 2076699). Advanced modeling of protein sequence and biophysical properties (such as structural, functional, and spatial information, amino acid conservation, physicochemical variation, residue mobility, and thermodynamic stability) performed at Invitae indicates that this missense variant is not expected to disrupt PLXNA2 protein function with a negative predictive value of 80%. In summary, the available evidence is currently insufficient to determine the role of this variant in disease. Therefore, it has been classified as a Variant of Uncertain Significance.

PreventionGenetics, part of Exact Sciences
Classification: Uncertain significance for PLXNA2-related condition. Last evaluated: 2024-08-26. Review status: no assertion criteria provided. Collection method: clinical testing. Allele origin: germline. Not counted in ClinVar's aggregate classification.
Comment: The PLXNA2 c.3616C>T variant is predicted to result in the amino acid substitution p.Leu1206Phe. To our knowledge, this variant has not been reported in the literature. This variant is reported in 0.010% of alleles in individuals of European (Non-Finnish) descent in gnomAD. At this time, the clinical significance of this variant is uncertain due to the absence of conclusive functional and genetic evidence.

NM_025179.4(PLXNA2):c.3616C>T (p.Leu1206Phe)

Gene: PLXNA2 (plexin A2; minus strand). Cytogenetic location: 1q32.2.
Variant type: single nucleotide variant.
Coding change: c.3616C>T on transcript NM_025179.4 (MANE Select); coding-DNA position 3616, C replaced by T.
Protein change: p.Leu1206Phe; replaces leucine 1206 with phenylalanine.
Molecular consequence: missense variant.
Genome position (GRCh38, 1-based): chr1:208,045,090, G>A on the plus strand (C>T on the coding strand, the complement: PLXNA2 is on the minus strand). VCF-style: chr1-208045090-G-A. GRCh37 (hg19) VCF-style: chr1-208218435-G-A.
Other names: c.3616C>T (NM_025179.3); short protein forms L1206F.
Identifiers: ClinVar variation 2076699 (VCV002076699.3), dbSNP rs773331988, ClinGen allele CA1373142.